The following is an entry in ClinVar:

ClinVar aggregate classification (germline): Pathogenic. Review status: criteria provided, multiple submitters, no conflicts (2 of 4 stars). 6 submissions from 6 submitters: Pathogenic (4). 2 of the submissions do not count toward it. Last evaluated 2024-05-02.

Conditions:
Amyotrophic lateral sclerosis type 1 (ALS1). Also called: AMYOTROPHIC LATERAL SCLEROSIS 1, FAMILIAL. Identifiers: Orphanet 803, MedGen C1862939, MONDO:0007103, OMIM 105400.
Perry syndrome. Also called: PARKINSONISM WITH ALVEOLAR HYPOVENTILATION AND MENTAL DEPRESSION. Identifiers: Orphanet 178509, MedGen C1868594, MONDO:0008201, OMIM 168605.
Neuronopathy, distal hereditary motor, type 7B. Also called: LOWER MOTOR NEURON DISEASE, DYNACTIN TYPE; HMN VIIB; Distal Hereditary Motor Neuronopathy Type 7B (dHMN7B); NEURONOPATHY, DISTAL HEREDITARY MOTOR, AUTOSOMAL DOMINANT 14; NEURONOPATHY, DISTAL HEREDITARY MOTOR, HARDING TYPE VIIB; NEUROPATHY, DISTAL HEREDITARY MOTOR, HARDING TYPE VIIB. Identifiers: Orphanet 139589, MedGen C1843315, MONDO:0011879, OMIM 607641.

Submissions (6):

Genomic Diagnostics Laboratory, National Institute of Medical Genomics
Classification: Pathogenic for Perry syndrome. Last evaluated: 2024-05-02. Review status: criteria provided, single submitter. Criteria: ACMG Guidelines, 2015. Collection method: clinical testing. Allele origin: unknown. Inheritance: Autosomal dominant inheritance. Affected: yes. Observed: 1 heterozygote.
Comment: Gly71Glu variant in DCTN1 has been reported previously in individuals with Perry síndrome (PMID: 19136952, 24343258, 28625595, 32717578). This variant is absent in population databases (gnomAD no frequency). This sequence change replaces glycine, which is neutral and non-polar, with glutamic acid, which is acidic and polar, at codon 71 of the DCTN1 protein (p.Gly71Glu). Acording to Farrer et al, 2009 (PMID: 19136952) functional analysis on a similar variant, Gly71Arg, revealed a modest decrease in microtubule binding comparable to Gly59Ser. We perfomed an in silico analyisis of this variant: Glu71 modifies the electrostatic potential of the CAP-Gly domain. Using ACMG Guidelines 2015, this is a pathogenic variant.

CeGaT Center for Human Genetics Tuebingen
Classification: Pathogenic. Last evaluated: 2024-01-01. Review status: criteria provided, single submitter. Criteria: CeGaT Center For Human Genetics Tuebingen Variant Classification Criteria Version 2. Collection method: clinical testing. Allele origin: germline. Affected: yes. Observed: 3 variant alleles.
Comment: DCTN1: PP1:Strong, PM1, PM2, PM5, PS4:Moderate, PP3

Labcorp Genetics (formerly Invitae), Labcorp
Classification: Pathogenic for Amyotrophic lateral sclerosis type 1; Neuronopathy, distal hereditary motor, type 7B; Perry syndrome. Last evaluated: 2023-06-15. Review status: criteria provided, single submitter. Criteria: Invitae Variant Classification Sherloc (09022015). Collection method: clinical testing. Allele origin: germline.
Comment: For these reasons, this variant has been classified as Pathogenic. This sequence change replaces glycine, which is neutral and non-polar, with glutamic acid, which is acidic and polar, at codon 71 of the DCTN1 protein (p.Gly71Glu). This variant is not present in population databases (gnomAD no frequency). This missense change has been observed in individuals with Perry syndrome (PMID: 19136952, 24343258, 28625595, 32717578). It has also been observed to segregate with disease in related individuals. ClinVar contains an entry for this variant (Variation ID: 21390). Advanced modeling of protein sequence and biophysical properties (such as structural, functional, and spatial information, amino acid conservation, physicochemical variation, residue mobility, and thermodynamic stability) performed at Invitae indicates that this missense variant is expected to disrupt DCTN1 protein function.

Institute of Human Genetics Munich, TUM University Hospital
Classification: Pathogenic for Perry syndrome. Last evaluated: 2020-09-25. Review status: criteria provided, single submitter. Criteria: Classification criteria August 2017. Collection method: clinical testing. Allele origin: germline. Inheritance: Autosomal dominant inheritance. Affected: yes. Observed: 1 variant allele.

Inherited Neuropathy Consortium Ii, University Of Miami
Classification: Uncertain significance for Perry syndrome. Last evaluated: 2016-01-06. Review status: no assertion criteria provided. Collection method: literature only. Allele origin: germline. Affected: yes. Not counted in ClinVar's aggregate classification.

OMIM
Classification: Pathogenic for PERRY SYNDROME. Last evaluated: 2014-02-01. Review status: no assertion criteria provided. Collection method: literature only. Allele origin: germline. Not counted in ClinVar's aggregate classification.

Literature cited by the submitters: PubMed 19136952 (cited by 4 submitters); PubMed 24343258 (cited by 3 submitters); PubMed 28625595 (cited by Genomic Diagnostics Laboratory, National Institute of Medical Genomics and Labcorp Genetics (formerly Invitae), Labcorp); PubMed 32717578 (cited by Genomic Diagnostics Laboratory, National Institute of Medical Genomics and Labcorp Genetics (formerly Invitae), Labcorp).

NM_004082.5(DCTN1):c.212G>A (p.Gly71Glu)

Gene: DCTN1 (dynactin subunit 1; minus strand). Cytogenetic location: 2p13.1.
Variant type: single nucleotide variant.
Coding change: c.212G>A on transcript NM_004082.5 (MANE Select); coding-DNA position 212, G replaced by A.
Protein change: p.Gly71Glu; replaces glycine 71 with glutamic acid.
Molecular consequence: missense variant. On other transcripts: non-coding transcript variant (1).
Genome position (GRCh38, 1-based): chr2:74,378,067, C>T on the plus strand (G>A on the coding strand, the complement: DCTN1 is on the minus strand). VCF-style: chr2-74378067-C-T. GRCh37 (hg19) VCF-style: chr2-74605194-C-T.
Other names: c.161G>A, p.Gly54Glu (NM_001378991.1, NM_001378992.1, NM_001190836.2); c.212G>A, p.Gly71Glu (NM_001135040.3, NM_001190837.2); short protein forms G71E, G54E.
Identifiers: ClinVar variation 21390 (VCV000021390.43), dbSNP rs67586389, ClinGen allele CA342007.
Genomic context (GRCh38, chr2:74,378,067, plus strand): 5'-TGGCGCACAAAGATGCCATGCCCTTCATCACAAGTGAAGTACTTCCTGCCTTGAACAGTT[C>T]CATCATTTTTGCCCTTTGCTTCATCCAGAATCACGCCTACCCATTTGCCAGTGGCAAACA-3'
Protein context (NP_004073.2, residues 61-81): ILDEAKGKND[Gly71Glu]TVQGRKYFTC